The following is an entry in ClinVar:

NM_015215.4(CAMTA1):c.3022_3036dup (p.Ser1012_Gly1013insSerGlyGlyGlySer)

Gene: CAMTA1 (calmodulin binding transcription activator 1; plus strand). Cytogenetic location: 1p36.23.
Variant type: Duplication.
Coding change: c.3022_3036dup on transcript NM_015215.4 (MANE Select); coding-DNA positions 3022 to 3036, 15 bases duplicated (AGTGGAGGCGGCAGC).
Protein change: p.Ser1012_Gly1013insSerGlyGlyGlySer.
Genome position (GRCh38, 1-based): chr1:7,732,555-7,732,569, AGTGGAGGCGGCAGC duplicated; duplicating any 15 consecutive bases within chr1:7,732,543-7,732,569 gives the same sequence; the c. name uses the placement nearest the transcript's 3' end. VCF-style (leftmost placement, unchanged base first): chr1-7732542-C-CGGAGGCGGCAGCAGT. GRCh37 (hg19) VCF-style: chr1-7792602-C-CGGAGGCGGCAGCAGT.
Other names: c.94_108dup, p.Ser36_Gly37insSerGlyGlyGlySer (NM_001349623.1, NM_001349624.3, NM_001349625.2 and 10 more transcripts); c.3022_3036dup, p.Ser1012_Gly1013insSerGlyGlyGlySer (NM_001410737.1, NM_001349609.2, NM_001349610.2); c.2950_2964dup, p.Ser988_Gly989insSerGlyGlyGlySer (NM_001410738.1); c.2932_2946dup, p.Ser982_Gly983insSerGlyGlyGlySer (NM_001349608.2, NM_001349612.2); c.151_165dup, p.Ser55_Gly56insSerGlyGlyGlySer (NM_001349613.1).
Identifiers: ClinVar variation 3679823 (VCV003679823.2).

ClinVar aggregate classification (germline): Uncertain significance (1 of 4 stars; one submission).

Submission:

Labcorp Genetics (formerly Invitae), Labcorp
Classification: Uncertain significance. Last evaluated: 2024-09-30. Review status: criteria provided, single submitter. Criteria: Invitae Variant Classification Sherloc (09022015). Collection method: clinical testing. Allele origin: germline.
Comment: This variant, c.3022_3036dup, results in the insertion of 5 amino acid(s) of the CAMTA1 protein (p.Ser1008_Ser1012dup), but otherwise preserves the integrity of the reading frame. This variant is present in population databases (rs746127063, gnomAD 0.007%). This variant has not been reported in the literature in individuals affected with CAMTA1-related conditions. In summary, the available evidence is currently insufficient to determine the role of this variant in disease. Therefore, it has been classified as a Variant of Uncertain Significance.